The following is an entry in ClinVar:

ClinVar aggregate classification (germline): Uncertain significance (1 of 4 stars; one submission).

gnomAD v4.1: 2 of 1,613,452 alleles (0.00012%); highest among the groups gnomAD compares: Middle Eastern, 0.016%; no homozygotes.

Submission:

Labcorp Genetics (formerly Invitae), Labcorp
Classification: Uncertain significance. Last evaluated: 2024-12-09. Review status: criteria provided, single submitter. Criteria: Invitae Variant Classification Sherloc (09022015). Collection method: clinical testing. Allele origin: germline.
Comment: This sequence change replaces alanine, which is neutral and non-polar, with valine, which is neutral and non-polar, at codon 98 of the RCBTB1 protein (p.Ala98Val). This variant is not present in population databases (gnomAD no frequency). This variant has not been reported in the literature in individuals affected with RCBTB1-related conditions. ClinVar contains an entry for this variant (Variation ID: 1354440). Invitae Evidence Modeling of protein sequence and biophysical properties (such as structural, functional, and spatial information, amino acid conservation, physicochemical variation, residue mobility, and thermodynamic stability) indicates that this missense variant is not expected to disrupt RCBTB1 protein function with a negative predictive value of 80%. In summary, the available evidence is currently insufficient to determine the role of this variant in disease. Therefore, it has been classified as a Variant of Uncertain Significance.

NM_018191.4(RCBTB1):c.293C>T (p.Ala98Val)

Gene: RCBTB1 (RCC1 and BTB domain containing protein 1; minus strand). Cytogenetic location: 13q14.2.
Variant type: single nucleotide variant.
Coding change: c.293C>T on transcript NM_018191.4 (MANE Select); coding-DNA position 293, C replaced by T.
Protein change: p.Ala98Val; replaces alanine 98 with valine.
Molecular consequence: missense variant. On other transcripts: 5 prime UTR variant (1), non-coding transcript variant (2).
Genome position (GRCh38, 1-based): chr13:49,560,069, G>A on the plus strand (C>T on the coding strand, the complement: RCBTB1 is on the minus strand). VCF-style: chr13-49560069-G-A. GRCh37 (hg19) VCF-style: chr13-50134205-G-A.
Other names: c.293C>T, p.Ala98Val (NM_001352500.2, NM_001352501.2, NM_001352502.2 and 3 more transcripts); c.-317C>T (NM_001352506.2); short protein forms A98V.
Identifiers: ClinVar variation 1354440 (VCV001354440.6), dbSNP rs2139232775, ClinGen allele CA388192811.